The following is an entry in ClinVar:

NM_001377540.1(SLMAP):c.655G>C (p.Val219Leu)

Gene: SLMAP (sarcolemma associated protein; plus strand). Cytogenetic location: 3p14.3.
Variant type: single nucleotide variant.
Coding change: c.655G>C on transcript NM_001377540.1 (MANE Select); coding-DNA position 655, G replaced by C.
Protein change: p.Val219Leu; replaces valine 219 with leucine.
Molecular consequence: missense variant. On other transcripts: non-coding transcript variant (1).
Genome position (GRCh38, 1-based): chr3:57,858,127, G>C. VCF-style: chr3-57858127-G-C. GRCh37 (hg19) VCF-style: chr3-57843854-G-C.
Other names: c.655G>C, p.Val219Leu (NM_001304420.3, NM_001304421.2, NM_001377538.1 and 17 more transcripts); short protein forms V219L.
Identifiers: ClinVar variation 2157680 (VCV002157680.4), dbSNP rs2094879895, ClinGen allele CA353406882.
Genomic context (GRCh38, chr3:57,858,127, plus strand): 5'-CATTTAATTTTTCTTCAATAGGCTTTAATAGATGAAGATAGACTCTTATCACGGTTAGAA[G>C]TTATGGGAAACCAATTACAGGCATGCTCCAAAGTAGGTATTAACCTCAAATGTGTAAAAT-3'
Protein context (NP_001364469.1, residues 209-229): DEDRLLSRLE[Val219Leu]MGNQLQACSK

ClinVar aggregate classification (germline): Uncertain significance (1 of 4 stars; one submission).

Conditions:
Brugada syndrome. Also called: Sudden unexpected nocturnal death syndrome; Sudden Unexplained Death Syndrome; Sudden Unexplained Nocturnal Death Syndrome (SUNDS); Sudden unexplained nocturnal death syndrome. Identifiers: Orphanet 130, MedGen C1142166, MONDO:0015263.

Submission:

Labcorp Genetics (formerly Invitae), Labcorp
Classification: Uncertain significance for Brugada syndrome. Last evaluated: 2023-08-04. Review status: criteria provided, single submitter. Criteria: Invitae Variant Classification Sherloc (09022015). Collection method: clinical testing. Allele origin: germline.
Comment: This sequence change replaces valine, which is neutral and non-polar, with leucine, which is neutral and non-polar, at codon 219 of the SLMAP protein (p.Val219Leu). In summary, the available evidence is currently insufficient to determine the role of this variant in disease. Therefore, it has been classified as a Variant of Uncertain Significance. An algorithm developed to predict the effect of missense changes on protein structure and function (PolyPhen-2) suggests that this variant is likely to be disruptive. ClinVar contains an entry for this variant (Variation ID: 2157680). This variant has not been reported in the literature in individuals affected with SLMAP-related conditions. This variant is not present in population databases (gnomAD no frequency).